The following is an entry in ClinVar:

NM_000540.3(RYR1):c.3500T>A (p.Val1167Asp)

Gene: RYR1 (ryanodine receptor 1; plus strand). Cytogenetic location: 19q13.2.
Variant type: single nucleotide variant.
Coding change: c.3500T>A on transcript NM_000540.3 (MANE Select); coding-DNA position 3500, T replaced by A.
Protein change: p.Val1167Asp; replaces valine 1167 with aspartic acid.
Molecular consequence: missense variant.
Genome position (GRCh38, 1-based): chr19:38,469,084, T>A. VCF-style: chr19-38469084-T-A. GRCh37 (hg19) VCF-style: chr19-38959724-T-A.
Other names: c.3500T>A, p.Val1167Asp (NM_001042723.2); short protein forms V1167D.
Identifiers: ClinVar variation 1377366 (VCV001377366.6), dbSNP rs2145461914, ClinGen allele CA405638702.
Genomic context (GRCh38, chr19:38,469,084, plus strand): 5'-TCGTTGGCTGTATGATCGACCTCACAGAGAACACCATTATCTTCACCCTCAATGGCGAGG[T>A]CCTCATGTCTGACTCAGGCTCCGAAACAGCCTTCCGGGAGATTGAGATTGGGGACGGTGA-3'
Protein context (NP_000531.2, residues 1157-1177): NTIIFTLNGE[Val1167Asp]LMSDSGSETA

ClinVar aggregate classification (germline): Uncertain significance (1 of 4 stars; one submission).

Conditions:
RYR1-related disorder. Also called: RYR1-related condition; RYR1-related disorders. Identifiers: MedGen CN239331.

Submission:

Labcorp Genetics (formerly Invitae), Labcorp
Classification: Uncertain significance for RYR1-related disorder. Last evaluated: 2022-06-20. Review status: criteria provided, single submitter. Criteria: Invitae Variant Classification Sherloc (09022015). Collection method: clinical testing. Allele origin: germline.
Comment: In summary, the available evidence is currently insufficient to determine the role of this variant in disease. Therefore, it has been classified as a Variant of Uncertain Significance. Advanced modeling of protein sequence and biophysical properties (such as structural, functional, and spatial information, amino acid conservation, physicochemical variation, residue mobility, and thermodynamic stability) performed at Invitae indicates that this missense variant is not expected to disrupt RYR1 protein function. This variant has not been reported in the literature in individuals affected with RYR1-related conditions. This variant is not present in population databases (gnomAD no frequency). This sequence change replaces valine, which is neutral and non-polar, with aspartic acid, which is acidic and polar, at codon 1167 of the RYR1 protein (p.Val1167Asp).